The following is an entry in ClinVar:

ClinVar aggregate classification (germline): Pathogenic (1 of 4 stars; one submission).

Conditions:
Inborn genetic diseases. Identifiers: MedGen C0950123, MeSH D030342.

Submission:

Ambry Genetics
Classification: Pathogenic for Inborn genetic diseases. Last evaluated: 2017-05-31. Review status: criteria provided, single submitter. Criteria: Ambry Variant Classification Scheme 2023. Collection method: clinical testing. Allele origin: germline.
Comment: The p.W1534* pathogenic mutation (also known as c.4601G>A), located in coding exon 35 of the CHD2 gene, results from a G to A substitution at nucleotide position 4601. This changes the amino acid from a tryptophan to a stop codon within coding exon 35. This alteration is expected to result in loss of function by premature protein truncation or nonsense-mediated mRNA decay. As such, this alteration is interpreted as a disease-causing mutation.

NM_001271.4(CHD2):c.4601G>A (p.Trp1534Ter)

Gene: CHD2 (chromodomain helicase DNA binding protein 2; plus strand). Cytogenetic location: 15q26.1.
Variant type: single nucleotide variant.
Coding change: c.4601G>A on transcript NM_001271.4 (MANE Select); coding-DNA position 4601, G replaced by A.
Protein change: p.Trp1534Ter; replaces tryptophan 1534 with a stop codon.
Molecular consequence: nonsense.
Genome position (GRCh38, 1-based): chr15:93,012,353, G>A. VCF-style: chr15-93012353-G-A. GRCh37 (hg19) VCF-style: chr15-93555583-G-A.
Other names: short protein forms W1534*.
Identifiers: ClinVar variation 589212 (VCV000589212.5), dbSNP rs1567163701, ClinGen allele CA393904933.